The following is an entry in ClinVar:

ClinVar aggregate classification (germline): Benign/Likely benign. Review status: criteria provided, multiple submitters, no conflicts (2 of 4 stars). 5 submissions from 5 submitters: Benign (1); Likely benign (4). Last evaluated 2026-01-14.

Conditions:
Hyperuricemia, pulmonary hypertension, renal failure, alkalosis syndrome (HUPRAS). Also called: HUPRA SYNDROME; HYPERURICEMIA, PULMONARY HYPERTENSION, RENAL FAILURE, AND ALKALOSIS SYNDROME. Identifiers: Orphanet 363694, MedGen C3151209, MONDO:0013458, OMIM 613845.

Allele frequency attached by ClinVar (database versions not stated): 1000 Genomes Project 0.00080; 1000 Genomes Project 30x 0.00094; gnomAD 0.00109 and 0.00118; TOPMed 0.00147; ESP Exome Variant Server 0.00215.
gnomAD v4.1: 987 of 1,614,156 alleles (0.061%); highest among the groups gnomAD compares: African/African-American, 0.3%; 2 homozygotes.

Submissions (5):

Labcorp Genetics (formerly Invitae), Labcorp
Classification: Benign. Last evaluated: 2026-01-14. Review status: criteria provided, single submitter. Criteria: Invitae Variant Classification Sherloc (09022015). Collection method: clinical testing. Allele origin: germline.

CeGaT Center for Human Genetics Tuebingen
Classification: Likely benign. Last evaluated: 2022-10-01. Review status: criteria provided, single submitter. Criteria: CeGaT Center For Human Genetics Tuebingen Variant Classification Criteria Version 2. Collection method: clinical testing. Allele origin: germline. Affected: yes. Observed: 1 variant allele.
Comment: SARS2: BP4, BP7

Fulgent Genetics
Classification: Likely benign for Hyperuricemia, pulmonary hypertension, renal failure, alkalosis syndrome. Last evaluated: 2021-09-15. Review status: criteria provided, single submitter. Criteria: ACMG Guidelines, 2015. Collection method: clinical testing. Allele origin: unknown.

GeneDx
Classification: Likely benign. Last evaluated: 2020-12-17. Review status: criteria provided, single submitter. Criteria: GeneDx Variant Classification Process June 2021. Collection method: clinical testing. Allele origin: germline. Affected: yes.

Breakthrough Genomics
Classification: Likely benign. Review status: criteria provided, single submitter. Criteria: ACMG Guidelines, 2015. Collection method: not provided. Allele origin: germline. Inheritance: Autosomal recessive inheritance. Affected: yes.

NM_017827.4(SARS2):c.696C>T (p.Arg232=)

Gene: SARS2 (seryl-tRNA synthetase 2, mitochondrial; minus strand). Cytogenetic location: 19q13.2.
Variant type: single nucleotide variant.
Coding change: c.696C>T on transcript NM_017827.4 (MANE Select); coding-DNA position 696, C replaced by T.
Protein change: p.Arg232=; no amino-acid change (arginine 232 retained).
Molecular consequence: synonymous variant.
Genome position (GRCh38, 1-based): chr19:38,919,825, G>A on the plus strand (C>T on the coding strand, the complement: SARS2 is on the minus strand). VCF-style: chr19-38919825-G-A. GRCh37 (hg19) VCF-style: chr19-39410465-G-A.
Other names: c.702C>T, p.Arg234= (NM_001145901.2).
Identifiers: ClinVar variation 380990 (VCV000380990.42), dbSNP rs35389151, ClinGen allele CA9423062.